The following is an entry in ClinVar:

ClinVar aggregate classification (germline): Conflicting classifications of pathogenicity. Review status: criteria provided, conflicting classifications (1 of 4 stars). 7 submissions from 6 submitters: Uncertain significance (1); Likely benign (6). Last evaluated 2025-11-27.

Conditions:
ANK1-related disorder. Also called: ANK1-related condition.
Hereditary spherocytosis type 1. Also called: Spherocytosis type 1; ANK1-Related Spherocytosis. Identifiers: Orphanet 822, MedGen C2674218, MONDO:0008447, OMIM 182900.
Spherocytosis. Identifiers: MedGen C0553720, HP:0004444.

Allele frequency attached by ClinVar (database versions not stated): gnomAD 0.00013 and 0.00014; TOPMed 0.00015; ExAC 0.00022; gnomAD exomes 0.00025; 1000 Genomes Project 30x 0.00031; 1000 Genomes Project 0.00040; ESP Exome Variant Server 0.00008.
gnomAD v4.1: 225 of 1,614,026 alleles (0.014%); highest among the groups gnomAD compares: East Asian, 0.16%; 1 homozygote.

Submissions (7):

Labcorp Genetics (formerly Invitae), Labcorp
Classification: Likely benign. Last evaluated: 2025-11-27. Review status: criteria provided, single submitter. Criteria: Invitae Variant Classification Sherloc (09022015). Collection method: clinical testing. Allele origin: germline.

Mayo Clinic Laboratories, Mayo Clinic
Classification: Likely benign. Last evaluated: 2025-10-20. Review status: criteria provided, single submitter. Criteria: ACMG Guidelines, 2015. Collection method: clinical testing. Allele origin: germline. Observed: 5 variant alleles.
Comment: BP4, BP7

PreventionGenetics, part of Exact Sciences
Classification: Likely benign for ANK1-related condition. Last evaluated: 2024-10-13. Review status: criteria provided, single submitter. Criteria: ACMG Guidelines, 2015. Collection method: clinical testing. Allele origin: germline.
Comment: This variant is classified as likely benign based on ACMG/AMP sequence variant interpretation guidelines (Richards et al. 2015 PMID: 25741868, with internal and published modifications).

Blueprint Genetics
Classification: Likely benign. Last evaluated: 2024-09-23. Review status: criteria provided, single submitter. Criteria: ACMG Guidelines, 2015. Collection method: clinical testing. Allele origin: germline.

ARUP Laboratories, Molecular Genetics and Genomics, ARUP Laboratories
Classification: Likely benign for Hereditary spherocytosis type 1. Last evaluated: 2024-08-15. Review status: criteria provided, single submitter. Criteria: ARUP Molecular Germline Variant Investigation Process 2024. Collection method: clinical testing. Allele origin: germline.

Illumina Laboratory Services, Illumina
Classification: Likely benign for Hereditary spherocytosis type 1. Last evaluated: 2018-01-12. Review status: criteria provided, single submitter. Criteria: ICSL Variant Classification Criteria 13 December 2019. Collection method: clinical testing. Allele origin: germline.
Comment: This variant was observed in the ICSL laboratory as part of a predisposition screen in an ostensibly healthy population. It had not been previously curated by ICSL or reported in the Human Gene Mutation Database (HGMD: prior to June 1st, 2018), and was therefore a candidate for classification through an automated scoring system. Utilizing variant allele frequency, disease prevalence and penetrance estimates, and inheritance mode, an automated score was calculated to assess if this variant is too frequent to cause the disease. Based on the score and internal cut-off values, a variant classified as likely benign is not then subjected to further curation. The score for this variant resulted in a classification of likely benign for this disease.

Illumina Laboratory Services, Illumina
Classification: Uncertain significance for Spherocytosis. Last evaluated: 2018-01-12. Review status: criteria provided, single submitter. Criteria: ICSL Variant Classification Criteria 13 December 2019. Collection method: clinical testing. Allele origin: germline.

NM_000037.4(ANK1):c.2982G>A (p.Pro994=)

Gene: ANK1 (ankyrin 1; minus strand). Cytogenetic location: 8p11.21.
Variant type: single nucleotide variant.
Coding change: c.2982G>A on transcript NM_000037.4 (MANE Select); coding-DNA position 2982, G replaced by A.
Protein change: p.Pro994=; no amino-acid change (proline 994 retained).
Molecular consequence: synonymous variant.
Genome position (GRCh38, 1-based): chr8:41,695,310, C>T on the plus strand (G>A on the coding strand, the complement: ANK1 is on the minus strand). VCF-style: chr8-41695310-C-T. GRCh37 (hg19) VCF-style: chr8-41552828-C-T.
Other names: p.Pro994=; c.2982G>A (NM_020476.2); c.3105G>A, p.Pro1035= (NM_001142446.2); c.2982G>A, p.Pro994= (NM_020475.3, NM_020476.3, NM_020477.3).
Identifiers: ClinVar variation 736958 (VCV000736958.13), dbSNP rs139623406, ClinGen allele CA4728013.